The following is an entry in ClinVar:

ClinVar aggregate classification (germline): Pathogenic (1 of 4 stars; one submission).

Submission:

Labcorp Genetics (formerly Invitae), Labcorp
Classification: Pathogenic. Last evaluated: 2021-02-24. Review status: criteria provided, single submitter. Criteria: Invitae Variant Classification Sherloc (09022015). Collection method: clinical testing. Allele origin: germline.
Comment: This sequence change creates a premature translational stop signal (p.Cys129Glyfs*28) in the GNPTG gene. It is expected to result in an absent or disrupted protein product. Loss-of-function variants in GNPTG are known to be pathogenic (PMID: 19370764, 20301784). This variant is not present in population databases (ExAC no frequency). This variant has not been reported in the literature in individuals with GNPTG-related conditions. For these reasons, this variant has been classified as Pathogenic.

Literature cited by the submitters: PubMed 19370764; PubMed 20301784.

NM_032520.5(GNPTG):c.385_400del (p.Cys129fs)

Gene: GNPTG (N-acetylglucosamine-1-phosphate transferase subunit gamma; plus strand). Cytogenetic location: 16p13.3.
Variant type: Deletion.
Coding change: c.385_400del on transcript NM_032520.5 (MANE Select); coding-DNA positions 385 to 400, 16 bases deleted (TGCCGTTCCCGGAGCC).
Protein change: p.Cys129fs; shifts the reading frame from cysteine 129.
Molecular consequence: frameshift variant.
Genome position (GRCh38, 1-based): chr16:1,362,105-1,362,120, TGCCGTTCCCGGAGCC deleted; deleting any 16 consecutive bases within chr16:1,362,102-1,362,120 gives the same sequence; the c. name uses the placement nearest the transcript's 3' end. VCF-style (leftmost placement, unchanged base first): chr16-1362101-CGCCTGCCGTTCCCGGA-C. GRCh37 (hg19) VCF-style: chr16-1412102-CGCCTGCCGTTCCCGGA-C.
Other names: short protein forms C129fs.
Identifiers: ClinVar variation 1460071 (VCV001460071.6), dbSNP rs2141862610, ClinGen allele CA2573151717.
Genomic context (GRCh38, chr16:1,362,101, plus strand): 5'-CTGGCACGAGTGGGAGATCGCCAACAACACCTTCACGGGCATGTGGATGAGGGACGGTGA[CGCCTGCCGTTCCCGGA>C]GCCGGCAGAGCAAGGTGGGGCCTCAGACGGGAGCCCGGGAAGAGGGGCCCCAGTCTCCCC-3'